The following is an entry in ClinVar:

ClinVar aggregate classification (germline): Uncertain significance. Review status: criteria provided, multiple submitters, no conflicts (2 of 4 stars). 2 submissions from 2 submitters: Uncertain significance (2). Last evaluated 2025-08-28.

Conditions:
Cardiovascular phenotype. Identifiers: MedGen CN230736.
Noonan syndrome-like disorder with loose anagen hair 1 (NSLH1). Also called: MAZZANTI SYNDROME; TOSTI SYNDROME. Identifiers: Orphanet 2701, MedGen C4478716, MONDO:0054637, OMIM 607721.

Submissions (2):

Ambry Genetics
Classification: Uncertain significance for Cardiovascular phenotype. Last evaluated: 2025-08-28. Review status: criteria provided, single submitter. Criteria: Ambry Variant Classification Scheme 2023. Collection method: clinical testing. Allele origin: germline.
Comment: The p.V380I variant (also known as c.1138G>A), located in coding exon 4 of the SHOC2 gene, results from a G to A substitution at nucleotide position 1138. The valine at codon 380 is replaced by isoleucine, an amino acid with highly similar properties. This amino acid position is conserved. In addition, this alteration is predicted to be tolerated by in silico analysis. Based on the available evidence, the clinical significance of this variant remains unclear.

Revvity Omics, Revvity
Classification: Uncertain significance for Noonan syndrome-like disorder with loose anagen hair 1. Last evaluated: 2020-04-04. Review status: criteria provided, single submitter. Criteria: ACMG Guidelines, 2015. Collection method: clinical testing. Allele origin: germline.

NM_007373.4(SHOC2):c.1138G>A (p.Val380Ile)

Gene: SHOC2 (SHOC2 leucine rich repeat scaffold protein; plus strand). Cytogenetic location: 10q25.2.
Variant type: single nucleotide variant.
Coding change: c.1138G>A on transcript NM_007373.4 (MANE Select); coding-DNA position 1138, G replaced by A.
Protein change: p.Val380Ile; replaces valine 380 with isoleucine.
Molecular consequence: missense variant. On other transcripts: non-coding transcript variant (1).
Genome position (GRCh38, 1-based): chr10:111,004,771, G>A. VCF-style: chr10-111004771-G-A. GRCh37 (hg19) VCF-style: chr10-112764529-G-A.
Other names: c.1000G>A, p.Val334Ile (NM_001269039.3); c.1138G>A, p.Val380Ile (NM_001324336.2, NM_001324337.2); short protein forms V334I, V380I.
Identifiers: ClinVar variation 2435925 (VCV002435925.4), dbSNP rs1326929249, ClinGen allele CA378523227.
Genomic context (GRCh38, chr10:111,004,771, plus strand): 5'-CTCAACATGGAACACAATCGAATCAACAAAATTCCATTTGGAATTTTCTCCAGAGCAAAA[G>A]TATTAAGTAAGCTGAATATGAAGGTAAGCATATATTTGTTTACTAGGGAAAGGAATTGCT-3'
Protein context (NP_031399.2, residues 370-390): IPFGIFSRAK[Val380Ile]LSKLNMKDNQ